The following is an entry in ClinVar:

NM_144997.7(FLCN):c.1596A>G (p.Thr532=)

Gene: FLCN (folliculin; minus strand). Cytogenetic location: 17p11.2.
Variant type: single nucleotide variant.
Coding change: c.1596A>G on transcript NM_144997.7 (MANE Select); coding-DNA position 1596, A replaced by G.
Protein change: p.Thr532=; no amino-acid change (threonine 532 retained).
Molecular consequence: synonymous variant.
Genome position (GRCh38, 1-based): chr17:17,213,799, T>C on the plus strand (A>G on the coding strand, the complement: FLCN is on the minus strand). VCF-style: chr17-17213799-T-C. GRCh37 (hg19) VCF-style: chr17-17117113-T-C.
Other names: c.1650A>G, p.Thr550= (NM_001353229.2); c.1596A>G, p.Thr532= (NM_001353230.2, NM_001353231.2).
Identifiers: ClinVar variation 1776009 (VCV001776009.3), dbSNP rs2144811189, ClinGen allele CA498163123.

ClinVar aggregate classification (germline): Benign/Likely benign. Review status: criteria provided, multiple submitters, no conflicts (2 of 4 stars). 2 submissions from 2 submitters: Benign (1); Likely benign (1). Last evaluated 2024-10-28.

Conditions:
Birt-Hogg-Dube syndrome 1 (BHD1). Also called: FIBROFOLLICULOMAS WITH TRICHODISCOMAS AND ACROCHORDONS. Identifiers: Orphanet 122, MedGen CN375946, MONDO:0800445, OMIM 135150.
Hereditary cancer-predisposing syndrome. Also called: Neoplastic Syndromes, Hereditary; Tumor predisposition; Hereditary Cancer Syndrome; Hereditary neoplastic syndrome. Identifiers: Orphanet 140162, MedGen C0027672, MeSH D009386, MONDO:0015356.

Submissions (2):

Myriad Genetics, Inc.
Classification: Benign for Birt-Hogg-Dube syndrome 1. Last evaluated: 2024-10-28. Review status: criteria provided, single submitter. Criteria: Myriad Autosomal Dominant, Autosomal Recessive and X-Linked Classification Criteria (2023). Collection method: clinical testing. Allele origin: unknown.
Comment: This variant is considered benign. This variant is a silent/synonymous amino acid change and it is not expected to impact splicing.

Ambry Genetics
Classification: Likely benign for Hereditary cancer-predisposing syndrome. Last evaluated: 2020-08-26. Review status: criteria provided, single submitter. Criteria: Ambry Variant Classification Scheme 2023. Collection method: clinical testing. Allele origin: germline.